The following is an entry in ClinVar:

NM_052867.4(NALCN):c.5138G>A (p.Gly1713Asp)

Genes: NALCN (sodium leak channel, non-selective; minus strand), NALCN-AS1 (NALCN antisense RNA 1; plus strand). Cytogenetic location: 13q32.3.
Variant type: single nucleotide variant.
Coding change: c.5138G>A on transcript NM_052867.4 (MANE Select); coding-DNA position 5138, G replaced by A.
Protein change: p.Gly1713Asp; replaces glycine 1713 with aspartic acid.
Molecular consequence: missense variant. On other transcripts: non-coding transcript variant (1).
Genome position (GRCh38, 1-based): chr13:101,055,374, C>T on the plus strand (G>A on the coding strand, the complement: NALCN is on the minus strand). VCF-style: chr13-101055374-C-T. GRCh37 (hg19) VCF-style: chr13-101707726-C-T.
Other names: c.5138G>A (NM_052867.2); c.5225G>A, p.Gly1742Asp (NM_001350748.2); c.5138G>A, p.Gly1713Asp (NM_001350749.2); c.5051G>A, p.Gly1684Asp (NM_001350750.2, NM_001350751.2); short protein forms G1684D, G1713D, G1742D.
Identifiers: ClinVar variation 1341897 (VCV001341897.9), dbSNP rs2031085413, ClinGen allele CA388642874.

ClinVar aggregate classification (germline): Uncertain significance. Review status: criteria provided, multiple submitters, no conflicts (2 of 4 stars). 3 submissions from 3 submitters: Uncertain significance (3). Last evaluated 2025-06-03.

Conditions:
Inborn genetic diseases. Identifiers: MedGen C0950123, MeSH D030342.
Congenital contractures of the limbs and face, hypotonia, and developmental delay (CLIFAHDD). Identifiers: Orphanet 562528, MedGen C4225398, MONDO:0014556, OMIM 616266.
Hypotonia, infantile, with psychomotor retardation and characteristic facies 1 (INNFD). Identifiers: Orphanet 371364, Orphanet 700336, MedGen C3809454, MONDO:0024567, OMIM 615419.

Allele frequency attached by ClinVar (database versions not stated): gnomAD 0.00001; TOPMed below 0.00001.

Submissions (3):

Ambry Genetics
Classification: Uncertain significance for Inborn genetic diseases. Last evaluated: 2025-06-03. Review status: criteria provided, single submitter. Criteria: Ambry Variant Classification Scheme 2023. Collection method: clinical testing. Allele origin: germline.

Labcorp Genetics (formerly Invitae), Labcorp
Classification: Uncertain significance. Last evaluated: 2023-08-07. Review status: criteria provided, single submitter. Criteria: Invitae Variant Classification Sherloc (09022015). Collection method: clinical testing. Allele origin: germline.
Comment: In summary, the available evidence is currently insufficient to determine the role of this variant in disease. Therefore, it has been classified as a Variant of Uncertain Significance. Advanced modeling of protein sequence and biophysical properties (such as structural, functional, and spatial information, amino acid conservation, physicochemical variation, residue mobility, and thermodynamic stability) performed at Invitae indicates that this missense variant is not expected to disrupt NALCN protein function. ClinVar contains an entry for this variant (Variation ID: 1341897). This sequence change replaces glycine, which is neutral and non-polar, with aspartic acid, which is acidic and polar, at codon 1713 of the NALCN protein (p.Gly1713Asp). This variant is not present in population databases (gnomAD no frequency). This variant has not been reported in the literature in individuals affected with NALCN-related conditions.

New York Genome Center
Classification: Uncertain significance for Congenital contractures of the limbs and face, hypotonia, and developmental delay; Hypotonia, infantile, with psychomotor retardation and characteristic facies 1. Last evaluated: 2021-02-19. Review status: criteria provided, single submitter. Criteria: NYGC Assertion Criteria 2020. Collection method: clinical testing. Allele origin: inherited. Observed: 1 heterozygote. Study: CSER-NYCKidSeq.
Comment: The inherited heterozygous c.5138G>A (p.Gly1713Asp) missense variant identified in the NALCN gene has not been reported in affected individual in the literature. The variant has been reported once in the gnomAD(v3) database (1out of 152222 heterozygous alleles) suggesting it is not a common benign allele in the populations represented in that database.The variant affects an evolutionarily conserved residue and is predicted deleterious by multiple in silico tools. Functional studies to evaluate the potential consequencesof this variant have not been reported. Based on the available evidence, the inherited heterozygous c.5138G>A (p.Gly1713Asp) missense variant identified in the NALCN gene is reported as a variant of uncertain significance.